The following is an entry in ClinVar:

NM_006267.5(RANBP2):c.3149A>T (p.Gln1050Leu)

Gene: RANBP2 (RAN binding protein 2; plus strand). Cytogenetic location: 2q13.
Variant type: single nucleotide variant.
Coding change: c.3149A>T on transcript NM_006267.5 (MANE Select); coding-DNA position 3149, A replaced by T.
Protein change: p.Gln1050Leu; replaces glutamine 1050 with leucine.
Molecular consequence: missense variant.
Genome position (GRCh38, 1-based): chr2:108,763,688, A>T. VCF-style: chr2-108763688-A-T. GRCh37 (hg19) VCF-style: chr2-109380144-A-T.
Other names: c.3149A>T (NM_006267.4); short protein forms Q1050L.
Identifiers: ClinVar variation 1026842 (VCV001026842.8), dbSNP rs768450419, ClinGen allele CA1822884.

ClinVar aggregate classification (germline): Uncertain significance. Review status: criteria provided, multiple submitters, no conflicts (2 of 4 stars). 2 submissions from 2 submitters: Uncertain significance (2). Last evaluated 2024-09-01.

Conditions:
Familial acute necrotizing encephalopathy (IIAE3). Also called: ENCEPHALOPATHY, ACUTE, INFECTION-INDUCED, SUSCEPTIBILITY TO, 3; Susceptibility to Acute Necrotizing Encephalopathy 1. Identifiers: Orphanet 88619, MedGen C2675556, MONDO:0011953, OMIM 608033.

Allele frequency attached by ClinVar (database versions not stated): ExAC 0.00003; gnomAD exomes 0.00004; TOPMed 0.00005; gnomAD 0.00008 and 0.00009.
gnomAD v4.1: 118 of 1,614,016 alleles (0.0073%); highest among the groups gnomAD compares: Non-Finnish European, 0.0095%; no homozygotes.

Submissions (2):

Ambry Genetics
Classification: Uncertain significance. Last evaluated: 2024-09-01. Review status: criteria provided, single submitter. Criteria: Ambry Variant Classification Scheme 2023. Collection method: clinical testing. Allele origin: germline.

Labcorp Genetics (formerly Invitae), Labcorp
Classification: Uncertain significance for Familial acute necrotizing encephalopathy. Last evaluated: 2023-08-17. Review status: criteria provided, single submitter. Criteria: Invitae Variant Classification Sherloc (09022015). Collection method: clinical testing. Allele origin: germline.
Comment: In summary, the available evidence is currently insufficient to determine the role of this variant in disease. Therefore, it has been classified as a Variant of Uncertain Significance. An algorithm developed to predict the effect of missense changes on protein structure and function (PolyPhen-2) suggests that this variant¬†is likely to be tolerated. ClinVar contains an entry for this variant (Variation ID: 1026842). This variant has not been reported in the literature in individuals affected with RANBP2-related conditions. This variant is present in population databases (rs768450419, gnomAD 0.008%). This sequence change replaces glutamine, which is neutral and polar, with leucine, which is neutral and non-polar, at codon 1050 of the RANBP2 protein (p.Gln1050Leu).